The following is an entry in ClinVar:

ClinVar aggregate classification (germline): Conflicting classifications of pathogenicity. Review status: criteria provided, conflicting classifications (1 of 4 stars). 6 submissions from 6 submitters: Pathogenic (1); Uncertain significance (4). 1 of the submissions does not count toward it. Last evaluated 2025-12-30.

Conditions:
Familial thoracic aortic aneurysm and aortic dissection (TAAD). Also called: Thoracic aortic aneurysms and dissections. Identifiers: Orphanet 91387, MedGen C4707243, MONDO:0019625.
Marfan syndrome (MFS). Also called: Marfan syndrome type 1; Marfan syndrome, classic; Marfan's syndrome; FBN1-Related Marfan Syndrome; MARFAN SYNDROME, TYPE I. Identifiers: Orphanet 284963, Orphanet 558, MedGen C0024796, MONDO:0007947, OMIM 154700.

Allele frequency attached by ClinVar (database versions not stated): gnomAD exomes below 0.00001 and 0.00002; TOPMed 0.00001; ExAC 0.00003.
gnomAD v4.1: 4 of 1,613,838 alleles (0.00025%); highest among the groups gnomAD compares: East Asian, 0.0022%; no homozygotes.

Submissions (6):

Labcorp Genetics (formerly Invitae), Labcorp
Classification: Pathogenic for Marfan syndrome; Familial thoracic aortic aneurysm and aortic dissection. Last evaluated: 2025-12-30. Review status: criteria provided, single submitter. Criteria: Invitae Variant Classification Sherloc (09022015). Collection method: clinical testing. Allele origin: germline.
Comment: This sequence change replaces arginine, which is basic and polar, with tryptophan, which is neutral and slightly polar, at codon 2282 of the FBN1 protein (p.Arg2282Trp). This variant is present in population databases (rs765205164, gnomAD 0.01%). This missense change has been observed in individuals with Marfan syndrome (PMID: 9338581, 11700157). ClinVar contains an entry for this variant (Variation ID: 549371). Invitae Evidence Modeling of protein sequence and biophysical properties (such as structural, functional, and spatial information, amino acid conservation, physicochemical variation, residue mobility, and thermodynamic stability) indicates that this missense variant is expected to disrupt FBN1 protein function with a positive predictive value of 95%. For these reasons, this variant has been classified as Pathogenic.

Dasa
Classification: Uncertain significance. Last evaluated: 2024-12-04. Review status: criteria provided, single submitter. Criteria: DASA Assertion Criteria. Collection method: clinical testing. Allele origin: germline.
Comment: NM_000138.5(FBN1):c.6844C>T (p.Arg2282Trp) is a missense variant that results in the substitution of arginine with tryptophan. This variant has been reported in individuals with FBN1-related disorders. Published studies describe this variant in association with related phenotype (PMID: 11700157; PMID: 9399842; PMID: 9338581). Also, this variant is rare in population databases. Computational prediction algorithms are consistent with a deleterious effect. The currently available literature and clinical evidence are not sufficient to establish a definitive association between this variant and the reported condition. Therefore, this variant is classified as a variant of uncertain significance.

Women's Health and Genetics/Laboratory Corporation of America, LabCorp
Classification: Uncertain significance. Last evaluated: 2024-09-27. Review status: criteria provided, single submitter. Criteria: LabCorp Variant Classification Summary - May 2015. Collection method: clinical testing. Allele origin: germline.
Comment: Variant summary: FBN1 c.6844C>T (p.Arg2282Trp) results in a non-conservative amino acid change located in the EGF-like domain (IPR000742) of the encoded protein sequence. Five of five in-silico tools predict a damaging effect of the variant on protein function. The variant allele was found at a frequency of 1.6e-05 in 251402 control chromosomes. c.6844C>T has been reported in the literature in multiple individuals affected with clinical features of Marfan Syndrome (example, Hayward_1997, Loeys_2001, Loeys_2004, Collod-Beroud_1998). These data indicate that the variant may be associated with disease. To our knowledge, no experimental evidence demonstrating an impact on protein function has been reported. The following publications have been ascertained in the context of this evaluation (PMID: 9401003, 9338581, 11700157, 12938084, 15241795, 9399842, 24941995). ClinVar contains an entry for this variant (Variation ID: 549371). Based on the evidence outlined above, the variant was classified as VUS-possibly pathogenic.

All of Us Research Program, National Institutes of Health
Classification: Uncertain significance for Marfan syndrome. Last evaluated: 2024-05-14. Review status: criteria provided, single submitter. Criteria: ACMG Guidelines, 2015. Collection method: clinical testing. Allele origin: germline. Inheritance: Autosomal dominant inheritance. Observed: 3 variant alleles, 3 heterozygotes.
Comment: This missense variant replaces arginine with tryptophan at codon 2282 of the FBN1 protein. Computational prediction tools and conservation analyses suggest that this variant may have deleterious impact on the protein function. Computational splicing tools suggest that this variant may not impact RNA splicing. To our knowledge, functional assays have not been performed for this variant. This variant has been reported in an individual affected with Marfan syndrome (PMID: 9338581) and in an individual suspected of having Marfan syndrome (PMID: 11700157). This variant has also been identified in 4/251282 chromosomes in the general population by the Genome Aggregation Database (gnomAD). Available evidence is insufficient to determine the role of this variant in disease conclusively. Therefore, this variant is classified as a Variant of Uncertain Significance.

This study involves interpretation of variants in research participants for the purpose of population health screening. Participant phenotype was not available at the time of variant classification. Additional details can be found in publication PMID: 35346344, PMCID: PMC8962531

Color Diagnostics, LLC DBA Color Health
Classification: Uncertain significance for Familial thoracic aortic aneurysm and aortic dissection. Last evaluated: 2023-07-26. Review status: criteria provided, single submitter. Criteria: ACMG Guidelines, 2015. Collection method: clinical testing. Allele origin: germline.
Comment: This missense variant replaces arginine with tryptophan at codon 2282 of the FBN1 protein. Computational prediction tools and conservation analyses suggest that this variant may have deleterious impact on the protein function. Computational splicing tools suggest that this variant may not impact RNA splicing. To our knowledge, functional assays have not been performed for this variant. This variant has been reported in an individual affected with Marfan syndrome (PMID: 9338581) and in an individual suspected of having Marfan syndrome (PMID: 11700157). This variant has also been identified in 4/251282 chromosomes in the general population by the Genome Aggregation Database (gnomAD). Available evidence is insufficient to determine the role of this variant in disease conclusively. Therefore, this variant is classified as a Variant of Uncertain Significance.

Center for Medical Genetics Ghent, University of Ghent
Classification: Uncertain significance for Marfan syndrome. Last evaluated: 2017-11-07. Review status: no assertion criteria provided. Collection method: clinical testing. Allele origin: germline. Affected: yes. Not counted in ClinVar's aggregate classification.

Literature cited by the submitters: PubMed 9338581 (cited by 5 submitters); PubMed 11700157 (cited by 5 submitters); PubMed 9399842 (cited by Dasa and Women's Health and Genetics/Laboratory Corporation of America, LabCorp); PubMed 9401003 (cited by Women's Health and Genetics/Laboratory Corporation of America, LabCorp); PubMed 12938084 (cited by Women's Health and Genetics/Laboratory Corporation of America, LabCorp); PubMed 15241795 (cited by Women's Health and Genetics/Laboratory Corporation of America, LabCorp); PubMed 24941995 (cited by Women's Health and Genetics/Laboratory Corporation of America, LabCorp).

NM_000138.5(FBN1):c.6844C>T (p.Arg2282Trp)

Gene: FBN1 (fibrillin 1; minus strand). Cytogenetic location: 15q21.1.
Variant type: single nucleotide variant.
Coding change: c.6844C>T on transcript NM_000138.5 (MANE Select); coding-DNA position 6844, C replaced by T.
Protein change: p.Arg2282Trp; replaces arginine 2282 with tryptophan.
Molecular consequence: missense variant.
Genome position (GRCh38, 1-based): chr15:48,430,698, G>A on the plus strand (C>T on the coding strand, the complement: FBN1 is on the minus strand). VCF-style: chr15-48430698-G-A. GRCh37 (hg19) VCF-style: chr15-48722895-G-A.
Other names: short protein forms R2282W.
Identifiers: ClinVar variation 549371 (VCV000549371.18), dbSNP rs765205164, ClinGen allele CA057475.